The following is an entry in ClinVar:

NM_001142800.2(EYS):c.4306dup (p.Ile1436fs)

Gene: EYS (eyes shut homolog; minus strand). Cytogenetic location: 6q12.
Variant type: Duplication.
Coding change: c.4306dup on transcript NM_001142800.2 (MANE Select); coding-DNA position 4306, one base duplicated (A; older notation c.4306dupA).
Protein change: p.Ile1436fs; shifts the reading frame from isoleucine 1436.
Molecular consequence: frameshift variant.
Genome position (GRCh38, 1-based): chr6:64,591,561, T duplicated on the plus strand (A on the coding strand, the reverse complement: EYS is on the minus strand). VCF-style (leftmost placement, unchanged base first): chr6-64591560-A-AT. GRCh37 (hg19) VCF-style: chr6-65301453-A-AT.
Other names: c.4306dup, p.Ile1436fs (NM_001292009.2); short protein forms I1436fs.
Identifiers: ClinVar variation 1709961 (VCV001709961.2), dbSNP rs2533154352, ClinGen allele CA2580075909.
Genomic context (GRCh38, chr6:64,591,560, plus strand): 5'-CTTATGGAGGCAGCTATAAGCAGGAATCCACGGGAGAGTAATGACTGCCTGTTTAGCTCA[A>AT]TATCAGCCCCTGGAATGCTTCTAATTACTGAAGTCGTTGGGGTAGCAGATAAAGCAACAG-3'

ClinVar aggregate classification (germline): Likely pathogenic (1 of 4 stars; one submission).

Conditions:
Retinitis pigmentosa 25 (RP25). Identifiers: Orphanet 791, MedGen C1864446, MONDO:0011272, OMIM 602772.

Submission:

MGZ Medical Genetics Center
Classification: Likely pathogenic for Retinitis pigmentosa 25. Last evaluated: 2022-01-26. Review status: criteria provided, single submitter. Criteria: ACMG Guidelines, 2015. Collection method: clinical testing. Allele origin: germline. Affected: yes. Observed: 1 variant allele.
Comment: ACMG criteria applied: PVS1, PM2_SUP